The following is an entry in ClinVar:

ClinVar aggregate classification (germline): Uncertain significance (1 of 4 stars; one submission).

gnomAD v4.1: 16 of 1,613,868 alleles (0.00099%); highest among the groups gnomAD compares: Non-Finnish European, 0.0013%; no homozygotes.

Submission:

Ambry Genetics
Classification: Uncertain significance. Last evaluated: 2025-08-31. Review status: criteria provided, single submitter. Criteria: Ambry Variant Classification Scheme 2023. Collection method: clinical testing. Allele origin: germline.
Comment: The p.V801L variant (also known as c.2401G>C), located in coding exon 24 of the NEBL gene, results from a G to C substitution at nucleotide position 2401. The valine at codon 801 is replaced by leucine, an amino acid with highly similar properties. This amino acid position is conserved. In addition, this alteration is predicted to be tolerated by in silico analysis. Since supporting evidence is limited at this time, the clinical significance of this alteration remains unclear.

NM_006393.3(NEBL):c.2401G>C (p.Val801Leu)

Gene: NEBL (nebulette; minus strand). Cytogenetic location: 10p12.31.
Variant type: single nucleotide variant.
Coding change: c.2401G>C on transcript NM_006393.3 (MANE Select); coding-DNA position 2401, G replaced by C.
Protein change: p.Val801Leu; replaces valine 801 with leucine.
Molecular consequence: missense variant.
Genome position (GRCh38, 1-based): chr10:20,812,886, C>G on the plus strand (G>C on the coding strand, the complement: NEBL is on the minus strand). VCF-style: chr10-20812886-C-G. GRCh37 (hg19) VCF-style: chr10-21101815-C-G.
Other names: c.412G>C, p.Val138Leu (NM_001173484.2, NM_001377322.1, NM_213569.2); c.364G>C, p.Val122Leu (NM_001377323.1); c.355G>C, p.Val119Leu (NM_001377324.1); c.346G>C, p.Val116Leu (NM_001377325.1); c.304G>C, p.Val102Leu (NM_001377326.1, NM_001377327.1, NM_001377328.1); short protein forms V119L, V138L, V116L, V801L, V102L, V122L.
Identifiers: ClinVar variation 1790743 (VCV001790743.3), dbSNP rs772136984, ClinGen allele CA204166162.
Genomic context (GRCh38, chr10:20,812,886, plus strand): 5'-AGGCAGCATCGCTGACCACCTGGGTGTTCTTCCTCACTCTCTCTGTCACAGGATCGTCCA[C>G]GACGGGAGTAAAGCCTCTCCCCTTTGTTTTTTCAAAATCTTCATGGTATTTTACCTGAAA-3'
Protein context (NP_006384.1, residues 791-811): KTKGRGFTPV[Val801Leu]DDPVTERVRK